The following is an entry in ClinVar:

NM_000215.4(JAK3):c.1646G>A (p.Arg549Gln)

Gene: JAK3 (Janus kinase 3; minus strand). Cytogenetic location: 19p13.11.
Variant type: single nucleotide variant.
Coding change: c.1646G>A on transcript NM_000215.4 (MANE Select); coding-DNA position 1646, G replaced by A.
Protein change: p.Arg549Gln; replaces arginine 549 with glutamine.
Molecular consequence: missense variant.
Genome position (GRCh38, 1-based): chr19:17,837,987, C>T on the plus strand (G>A on the coding strand, the complement: JAK3 is on the minus strand). VCF-style: chr19-17837987-C-T. GRCh37 (hg19) VCF-style: chr19-17948796-C-T.
Other names: short protein forms R549Q.
Identifiers: ClinVar variation 889060 (VCV000889060.6), dbSNP rs201972084, ClinGen allele CA306132683.

ClinVar aggregate classification (germline): Uncertain significance. Review status: criteria provided, multiple submitters, no conflicts (2 of 4 stars). 2 submissions from 2 submitters: Uncertain significance (2). Last evaluated 2025-09-28.

Conditions:
T-B+ severe combined immunodeficiency due to JAK3 deficiency. Also called: SCID, T CELL-NEGATIVE, B CELL-POSITIVE, NK CELL-NEGATIVE; SCID, autosomal recessive, T-negative/B-positive type. Identifiers: Orphanet 35078, MedGen C1833275, MONDO:0010938, OMIM 600802.

Allele frequency attached by ClinVar (database versions not stated): TOPMed 0.00002; gnomAD 0.00001; gnomAD exomes 0.00001.
gnomAD v4.1: 21 of 1,614,006 alleles (0.0013%); highest among the groups gnomAD compares: African/African-American, 0.016%; no homozygotes.

Submissions (2):

Labcorp Genetics (formerly Invitae), Labcorp
Classification: Uncertain significance for T-B+ severe combined immunodeficiency due to JAK3 deficiency. Last evaluated: 2025-09-28. Review status: criteria provided, single submitter. Criteria: Invitae Variant Classification Sherloc (09022015). Collection method: clinical testing. Allele origin: germline.
Comment: This sequence change replaces arginine, which is basic and polar, with glutamine, which is neutral and polar, at codon 549 of the JAK3 protein (p.Arg549Gln). This variant is present in population databases (rs201972084, gnomAD 0.004%). This variant has not been reported in the literature in individuals affected with JAK3-related conditions. ClinVar contains an entry for this variant (Variation ID: 889060). Invitae Evidence Modeling of protein sequence and biophysical properties (such as structural, functional, and spatial information, amino acid conservation, physicochemical variation, residue mobility, and thermodynamic stability) has been performed for this missense variant. However, the output from this modeling did not meet the statistical confidence thresholds required to predict the impact of this variant on JAK3 protein function. In summary, the available evidence is currently insufficient to determine the role of this variant in disease. Therefore, it has been classified as a Variant of Uncertain Significance.

Illumina Laboratory Services, Illumina
Classification: Uncertain significance for T-B+ severe combined immunodeficiency due to JAK3 deficiency. Last evaluated: 2018-01-13. Review status: criteria provided, single submitter. Criteria: ICSL Variant Classification Criteria 13 December 2019. Collection method: clinical testing. Allele origin: germline.